The following is an entry in ClinVar:

ClinVar aggregate classification (germline): Likely pathogenic (1 of 4 stars; one submission).

Conditions:
Hepatic methionine adenosyltransferase deficiency. Also called: Methionine adenosyltransferase deficiency; Isolated Persistent Hypermethioninemia; Deficiency of methionine adenosyltransferase; MAT I/III DEFICIENCY. Identifiers: Orphanet 168598, MedGen C0268621, MeSH C564683, MONDO:0009607, OMIM 250850.

Allele frequency attached by ClinVar (database versions not stated): gnomAD exomes below 0.00001.
gnomAD v4.1: 2 of 1,612,474 alleles (0.00012%); highest among the groups gnomAD compares: African/African-American, 0.0013%; no homozygotes.

Submission:

Labcorp Genetics (formerly Invitae), Labcorp
Classification: Likely pathogenic for Hepatic methionine adenosyltransferase deficiency. Last evaluated: 2021-12-18. Review status: criteria provided, single submitter. Criteria: Invitae Variant Classification Sherloc (09022015). Collection method: clinical testing. Allele origin: germline.
Comment: In summary, the currently available evidence indicates that the variant is pathogenic, but additional data are needed to prove that conclusively. Therefore, this variant has been classified as Likely Pathogenic. Algorithms developed to predict the effect of sequence changes on RNA splicing suggest that this variant may disrupt the consensus splice site. This variant has not been reported in the literature in individuals affected with MAT1A-related conditions. This variant is present in population databases (no rsID available, gnomAD 0.0009%). This sequence change affects an acceptor splice site in intron 3 of the MAT1A gene. It is expected to disrupt RNA splicing. Variants that disrupt the donor or acceptor splice site typically lead to a loss of protein function (PMID: 16199547), and loss-of-function variants in MAT1A are known to be pathogenic (PMID: 20675163, 24231718).

Literature cited by the submitters: PubMed 16199547; PubMed 20675163; PubMed 24231718.

NM_000429.3(MAT1A):c.293-2A>G

Gene: MAT1A (methionine adenosyltransferase 1A; minus strand). Cytogenetic location: 10q22.3.
Variant type: single nucleotide variant.
Coding change: c.293-2A>G on transcript NM_000429.3 (MANE Select); the canonical splice acceptor site of the intron before coding-DNA position 293, A replaced by G.
Molecular consequence: splice acceptor variant.
Genome position (GRCh38, 1-based): chr10:80,280,794, T>C on the plus strand (A>G on the coding strand, the complement: MAT1A is on the minus strand). VCF-style: chr10-80280794-T-C. GRCh37 (hg19) VCF-style: chr10-82040550-T-C.
Identifiers: ClinVar variation 2047221 (VCV002047221.4), dbSNP rs1229896690, ClinGen allele CA377363222.